The following is an entry in ClinVar:

NM_005263.5(GFI1):c.248G>T (p.Ser83Ile)

Gene: GFI1 (growth factor independent 1 transcriptional repressor; minus strand). Cytogenetic location: 1p22.1.
Variant type: single nucleotide variant.
Coding change: c.248G>T on transcript NM_005263.5 (MANE Select); coding-DNA position 248, G replaced by T.
Protein change: p.Ser83Ile; replaces serine 83 with isoleucine.
Molecular consequence: missense variant.
Genome position (GRCh38, 1-based): chr1:92,482,914, C>A on the plus strand (G>T on the coding strand, the complement: GFI1 is on the minus strand). VCF-style: chr1-92482914-C-A. GRCh37 (hg19) VCF-style: chr1-92948471-C-A.
Other names: c.248G>T, p.Ser83Ile (NM_001127215.3, NM_001127216.3); short protein forms S83I.
Identifiers: ClinVar variation 4843288 (VCV004843288.1).

ClinVar aggregate classification (germline): Uncertain significance (1 of 4 stars; one submission).

Submission:

Ambry Genetics
Classification: Uncertain significance. Last evaluated: 2026-01-10. Review status: criteria provided, single submitter. Criteria: Ambry Variant Classification Scheme 2023. Collection method: clinical testing. Allele origin: germline.
Comment: The p.S83I variant (also known as c.248G>T), located in coding exon 2 of the GFI1 gene, results from a G to T substitution at nucleotide position 248. The serine at codon 83 is replaced by isoleucine, an amino acid with dissimilar properties. This amino acid position is conserved. In addition, this alteration is predicted to be tolerated by in silico analysis. Based on the available evidence, the clinical significance of this variant remains unclear.